The following is an entry in ClinVar:

ClinVar aggregate classification (germline): Pathogenic. Review status: criteria provided, multiple submitters, no conflicts (2 of 4 stars). 3 submissions from 3 submitters: Pathogenic (3). Last evaluated 2025-10-29.

Conditions:
BAP1-related tumor predisposition syndrome (TPDS1). Also called: TUMOR PREDISPOSITION SYNDROME 1; Tumor susceptibility linked to germline BAP1 mutations; BAP1 tumor predisposition syndrome; COMMON Syndrome. Identifiers: Orphanet 289539, MedGen C3280492, MONDO:0013692, OMIM 614327.
Hereditary cancer-predisposing syndrome. Also called: Neoplastic Syndromes, Hereditary; Hereditary Cancer Syndrome; Tumor predisposition; Hereditary neoplastic syndrome. Identifiers: Orphanet 140162, MedGen C0027672, MeSH D009386, MONDO:0015356.

Submissions (3):

Myriad Genetics, Inc.
Classification: Pathogenic for BAP1-related tumor predisposition syndrome. Last evaluated: 2025-10-29. Review status: criteria provided, single submitter. Criteria: Myriad Autosomal Dominant, Autosomal Recessive and X-Linked Classification Criteria (2023). Collection method: clinical testing. Allele origin: unknown.
Comment: This variant is considered pathogenic. This variant creates a frameshift predicted to result in premature protein truncation.

Color Diagnostics, LLC DBA Color Health
Classification: Pathogenic for Hereditary cancer-predisposing syndrome. Last evaluated: 2023-07-11. Review status: criteria provided, single submitter. Criteria: ACMG Guidelines, 2015. Collection method: clinical testing. Allele origin: germline.
Comment: This variant deletes 2 nucleotides in exon 13 of the BAP1 gene, creating a frameshift and premature translation stop signal. This variant is expected to result in an absent or non-functional protein product. This variant has been reported in an individual affected with lung adenocarcinoma and bilateral malignant pleural mesotheliomas who showed loss of BAP1 expression (PMID: 32583627). This variant has not been identified in the general population by the Genome Aggregation Database (gnomAD). Loss of BAP1 function is a known mechanism of disease. Based on the available evidence, this variant is classified as Pathogenic.

Labcorp Genetics (formerly Invitae), Labcorp
Classification: Pathogenic for BAP1-related tumor predisposition syndrome. Last evaluated: 2019-11-11. Review status: criteria provided, single submitter. Criteria: Invitae Variant Classification Sherloc (09022015). Collection method: clinical testing. Allele origin: germline.
Comment: For these reasons, this variant has been classified as Pathogenic. Loss-of-function variants in BAP1 are known to be pathogenic (PMID: 21874000, 23684012). This variant has not been reported in the literature in individuals with BAP1-related conditions. This variant is not present in population databases (ExAC no frequency). This sequence change creates a premature translational stop signal (p.Pro522Argfs*14) in the BAP1 gene. It is expected to result in an absent or disrupted protein product.

Literature cited by the submitters: PubMed 32583627 (cited by Color Diagnostics, LLC DBA Color Health); PubMed 21874000 (cited by Labcorp Genetics (formerly Invitae), Labcorp); PubMed 23684012 (cited by Labcorp Genetics (formerly Invitae), Labcorp).

NM_004656.4(BAP1):c.1565_1566del (p.Pro522fs)

Gene: BAP1 (BRCA1 associated deubiquitinase 1; minus strand). Cytogenetic location: 3p21.1.
Variant type: Deletion.
Coding change: c.1565_1566del on transcript NM_004656.4 (MANE Select); coding-DNA positions 1565 to 1566, 2 bases deleted (CT; older notation c.1565_1566delCT).
Protein change: p.Pro522fs; shifts the reading frame from proline 522.
Molecular consequence: frameshift variant.
Genome position (GRCh38, 1-based): chr3:52,403,579-52,403,580, AG deleted on the plus strand (CT on the coding strand, the reverse complement: BAP1 is on the minus strand). VCF-style (leftmost placement, unchanged base first): chr3-52403578-CAG-C. GRCh37 (hg19) VCF-style: chr3-52437594-CAG-C.
Other names: short protein forms P522fs.
Identifiers: ClinVar variation 970811 (VCV000970811.10), dbSNP rs1705043129, ClinGen allele CA1139658115.